The following is an entry in ClinVar:

NM_004807.3(HS6ST1):c.955T>A (p.Tyr319Asn)

Gene: HS6ST1 (heparan sulfate 6-O-sulfotransferase 1; minus strand). Cytogenetic location: 2q14.3.
Variant type: single nucleotide variant.
Coding change: c.955T>A on transcript NM_004807.3 (MANE Select); coding-DNA position 955, T replaced by A.
Protein change: p.Tyr319Asn; replaces tyrosine 319 with asparagine.
Molecular consequence: missense variant.
Genome position (GRCh38, 1-based): chr2:128,268,443, A>T on the plus strand (T>A on the coding strand, the complement: HS6ST1 is on the minus strand). VCF-style: chr2-128268443-A-T. GRCh37 (hg19) VCF-style: chr2-129026017-A-T.
Other names: short protein forms Y319N.
Identifiers: ClinVar variation 930865 (VCV000930865.3), dbSNP rs1693560929, ClinGen allele CA348460761.
Genomic context (GRCh38, chr2:128,268,443, plus strand): 5'-CCTCGATGCGCCGGATGGTGTCTTCATCCACCTCCACGCCGCCCGCCCGCGTGCTATTGT[A>T]CTGCATGAAGGGCCGGATGAACTTGAGGTTGAACGTCCGCTCGAACAGGTACTGCGTCTT-3'
Protein context (NP_004798.3, residues 309-329): NLKFIRPFMQ[Tyr319Asn]NSTRAGGVEV

ClinVar aggregate classification (germline): Uncertain significance (1 of 4 stars; one submission).

Conditions:
Hypogonadotropic hypogonadism 15 with or without anosmia (HH15). Identifiers: Orphanet 478, MedGen C3553977, MONDO:0013946, OMIM 614880.

Submission:

Centre for Mendelian Genomics, University Medical Centre Ljubljana
Classification: Uncertain significance for Hypogonadotropic hypogonadism 15 with or without anosmia. Last evaluated: 2018-10-04. Review status: criteria provided, single submitter. Criteria: ACMG Guidelines, 2015. Collection method: clinical testing. Allele origin: unknown. Affected: yes.
Comment: This variant was classified as: Uncertain significance. The available evidence on this variant's pathogenicity is insufficient or conflicting. The following ACMG criteria were applied in classifying this variant: PM2,PP3.